The following is an entry in ClinVar:

NM_022095.4(ZNF335):c.2429G>A (p.Gly810Asp)

Gene: ZNF335 (zinc finger protein 335; minus strand). Cytogenetic location: 20q13.12.
Variant type: single nucleotide variant.
Coding change: c.2429G>A on transcript NM_022095.4 (MANE Select); coding-DNA position 2429, G replaced by A.
Protein change: p.Gly810Asp; replaces glycine 810 with aspartic acid.
Molecular consequence: missense variant.
Genome position (GRCh38, 1-based): chr20:45,957,599, C>T on the plus strand (G>A on the coding strand, the complement: ZNF335 is on the minus strand). VCF-style: chr20-45957599-C-T. GRCh37 (hg19) VCF-style: chr20-44586238-C-T.
Other names: short protein forms G810D.
Identifiers: ClinVar variation 2430767 (VCV002430767.1), dbSNP rs2083752233, ClinGen allele CA409241785.

ClinVar aggregate classification (germline): Uncertain significance (1 of 4 stars; one submission).

gnomAD v4.1: 1 of 1,613,880 alleles (0.000062%); highest among the groups gnomAD compares: Admixed American, 0.0017%; no homozygotes.

Submission:

GeneDx
Classification: Uncertain significance. Last evaluated: 2022-08-25. Review status: criteria provided, single submitter. Criteria: GeneDx Variant Classification Process June 2021. Collection method: clinical testing. Allele origin: germline. Affected: yes.
Comment: Not observed at significant frequency in large population cohorts (gnomAD); In silico analysis supports that this missense variant does not alter protein structure/function; Has not been previously published as pathogenic or benign to our knowledge